The following is an entry in ClinVar:

ClinVar aggregate classification (germline): Uncertain significance (1 of 4 stars; one submission).

Conditions:
Joubert syndrome 21 (JBTS21). Identifiers: MedGen C3810212, MONDO:0014288, OMIM 615636.

Submission:

Labcorp Genetics (formerly Invitae), Labcorp
Classification: Uncertain significance for Joubert syndrome 21. Last evaluated: 2022-07-09. Review status: criteria provided, single submitter. Criteria: Invitae Variant Classification Sherloc (09022015). Collection method: clinical testing. Allele origin: germline.
Comment: This sequence change replaces methionine, which is neutral and non-polar, with isoleucine, which is neutral and non-polar, at codon 707 of the CSPP1 protein (p.Met707Ile). This variant is not present in population databases (gnomAD no frequency). This variant has not been reported in the literature in individuals affected with CSPP1-related conditions. Algorithms developed to predict the effect of missense changes on protein structure and function output the following: SIFT: "Tolerated"; PolyPhen-2: "Benign"; Align-GVGD: "Class C0". The isoleucine amino acid residue is found in multiple mammalian species, which suggests that this missense change does not adversely affect protein function. In summary, the available evidence is currently insufficient to determine the role of this variant in disease. Therefore, it has been classified as a Variant of Uncertain Significance.

NM_001382391.1(CSPP1):c.2136G>A (p.Met712Ile)

Gene: CSPP1 (centrosome and spindle pole associated protein 1; plus strand). Cytogenetic location: 8q13.2.
Variant type: single nucleotide variant.
Coding change: c.2136G>A on transcript NM_001382391.1 (MANE Select); coding-DNA position 2136, G replaced by A.
Protein change: p.Met712Ile; replaces methionine 712 with isoleucine.
Molecular consequence: missense variant.
Genome position (GRCh38, 1-based): chr8:67,154,031, G>A. VCF-style: chr8-67154031-G-A. GRCh37 (hg19) VCF-style: chr8-68066266-G-A.
Other names: c.2055G>A, p.Met685Ile (NM_001363131.2); c.1941G>A, p.Met647Ile (NM_001363132.2); c.1860G>A, p.Met620Ile (NM_001363133.2); c.2202G>A, p.Met734Ile (NM_001364869.1); c.2022G>A, p.Met674Ile (NM_001364870.1); c.2121G>A, p.Met707Ile (NM_024790.7); c.1086G>A, p.Met362Ile (NM_001291339.2); short protein forms M674I, M685I, M707I, M647I, M362I, M620I, M712I, M734I.
Identifiers: ClinVar variation 2093180 (VCV002093180.4), dbSNP rs1826209808, ClinGen allele CA371187637.
Genomic context (GRCh38, chr8:67,154,031, plus strand): 5'-AAATTTTCTAAGCATTGGCTAATAGTATGTTTTTGCAAAATATTTCTTTCAAGGTCATAT[G>A]CAAACACAGAGCTCTCCTTTTGCTCGGGGAAATGTATTTGGTGAGCCTCCAACTGAACTT-3'
Protein context (NP_001369320.1, residues 702-722): EDAANKSSGH[Met712Ile]QTQSSPFARG